The following is an entry in ClinVar:

NM_018263.6(ASXL2):c.375G>C (p.Glu125Asp)

Gene: ASXL2 (ASXL transcriptional regulator 2; minus strand). Cytogenetic location: 2p23.3.
Variant type: single nucleotide variant.
Coding change: c.375G>C on transcript NM_018263.6 (MANE Select); coding-DNA position 375, G replaced by C.
Protein change: p.Glu125Asp; replaces glutamic acid 125 with aspartic acid.
Molecular consequence: missense variant.
Genome position (GRCh38, 1-based): chr2:25,799,413, C>G on the plus strand (G>C on the coding strand, the complement: ASXL2 is on the minus strand). VCF-style: chr2-25799413-C-G. GRCh37 (hg19) VCF-style: chr2-26022282-C-G.
Other names: c.201G>C, p.Glu67Asp (NM_001369346.1); c.375G>C (NM_018263.4); short protein forms E125D, E67D.
Identifiers: ClinVar variation 2173469 (VCV002173469.5), dbSNP rs374285356, ClinGen allele CA1558088.

ClinVar aggregate classification (germline): Conflicting classifications of pathogenicity. Review status: criteria provided, conflicting classifications (1 of 4 stars). 2 submissions from 2 submitters: Uncertain significance (1); Likely benign (1). Last evaluated 2025-02-26.

Conditions:
Inborn genetic diseases. Identifiers: MedGen C0950123, MeSH D030342.

Allele frequency attached by ClinVar (database versions not stated): ESP Exome Variant Server 0.00008.
gnomAD v4.1: 29 of 1,613,790 alleles (0.0018%); highest among the groups gnomAD compares: African/African-American, 0.036%; no homozygotes.

Submissions (2):

Ambry Genetics
Classification: Likely benign for Inborn genetic diseases. Last evaluated: 2025-02-26. Review status: criteria provided, single submitter. Criteria: Ambry Variant Classification Scheme 2023. Collection method: clinical testing. Allele origin: germline.

Labcorp Genetics (formerly Invitae), Labcorp
Classification: Uncertain significance. Last evaluated: 2023-11-27. Review status: criteria provided, single submitter. Criteria: Invitae Variant Classification Sherloc (09022015). Collection method: clinical testing. Allele origin: germline.
Comment: This sequence change replaces glutamic acid, which is acidic and polar, with aspartic acid, which is acidic and polar, at codon 125 of the ASXL2 protein (p.Glu125Asp). This variant is present in population databases (rs374285356, gnomAD 0.03%). This variant has not been reported in the literature in individuals affected with ASXL2-related conditions. ClinVar contains an entry for this variant (Variation ID: 2173469). Advanced modeling of protein sequence and biophysical properties (such as structural, functional, and spatial information, amino acid conservation, physicochemical variation, residue mobility, and thermodynamic stability) performed at Invitae indicates that this missense variant is not expected to disrupt ASXL2 protein function with a negative predictive value of 80%. In summary, the available evidence is currently insufficient to determine the role of this variant in disease. Therefore, it has been classified as a Variant of Uncertain Significance.